The following is an entry in ClinVar:

ClinVar aggregate classification (germline): Pathogenic. Review status: reviewed by expert panel (3 of 4 stars). 13 submissions from 13 submitters: Pathogenic (1). 12 of the submissions do not count toward it. Last evaluated 2021-08-25.

Conditions:
Glycogen storage disease, type II (IOPD). Also called: CARDIOMEGALIA GLYCOGENICA DIFFUSA; GLYCOGENOSIS, GENERALIZED, CARDIAC FORM; GSD II; Glucosidase acid-1,4-alpha deficiency; Pompe Disease; POMPE DISEASE, INFANTILE-ONSET. Identifiers: Orphanet 365, MedGen C0017921, MONDO:0009290, OMIM 232300.

Allele frequency attached by ClinVar (database versions not stated): gnomAD exomes 0.00001; ExAC 0.00002; TOPMed 0.00002; gnomAD 0.00004 and 0.00005; 1000 Genomes Project 30x 0.00016; 1000 Genomes Project 0.00020.
gnomAD v4.1: 19 of 1,613,050 alleles (0.0012%); highest among the groups gnomAD compares: East Asian, 0.0045%; no homozygotes.

Submissions 1 to 9 of 13:

ClinGen Lysosomal Storage Disorder Variant Curation Expert Panel
Classification: Pathogenic for Glycogen storage disease, type II. Last evaluated: 2021-08-25. Review status: reviewed by expert panel. Criteria: clingen_lsd_acmg_specifications_v2-1. Collection method: curation. Allele origin: germline. Inheritance: Autosomal recessive inheritance.
Comment: This variant, NM_000152.5(GAA):c.784G>A, is predicted to result in the substitution of glutamate to lysine at amino acid 262 (p.Glu262Lys). This variant represented 6.8% of alleles in an Italian case series of 29 infants with Pompe disease (PMID: 18429042). This variant has been reported in at least 20 individuals with Pompe disease, including at least 12 individuals with documented laboratory data showing deficiency of GAA activity and/or clinical symptoms consistent with infantile onset Pompe disease (cardiomegaly and muscle weakness), and/or on treated with enzyme replacement therapy (ERT) meeting the ClinGen LSD VCEP’s specifications for PP4_Moderate (PMID 11738358, 18285536, 19588081, 19948615, 25455803, 26497565, 27344650, 29181627, 29422078, 30023291, 31193175 31915562, 33228748)(PP4_Moderate). The variant has been reported in compound heterozygosity with a pathogenic variant in at least 8 patients, phase unconfirmed (PMID: 11738358, 18285536, 19948615, 24269976, 25455803, 29181627, 29422078, 29880332), and in at least 5 homozygous patients diagnosed with Pompe disease (PMIDs: 18429042, 26497565, 29422078, 33228748, 33325062) (PM3_Very Strong). More data is available in the literature but the maximum evidence for PM3_Very Strong has been reached. The highest population minor allele frequency in gnomAD v2.1.1 is 0.00005 in the East Asian population, which is lower than the ClinGen LSD VCEP threshold (<0.001) for PM2_Supporting, allowing this criterion to be applied (PM2_Supporting). The computational predictor REVEL gives a score of 0.888 which is above the threshold of 0.7, evidence that correlates with impact to GAA function (PP3). To our knowledge, the results of functional studies have not been reported for this variant. There is a ClinVar entry for this variant (ClinVar variation ID: 188806) with 3 submitters classifying the variant as pathogenic and two as likely pathogenic. In summary, this variant meets the criteria to be classified as pathogenic for Pompe disease. ACMG/AMP criteria met, as specified by the ClinGen LSD VCEP (Specification Version 2.0): PM3_Very Strong, PP4_Moderate, PP3, PM2_Supporting. (Classification approved: August 17, 2021)

Genomenon, Inc
Classification: Pathogenic for Glycogen storage disease, type II. Last evaluated: 2026-07-01. Review status: criteria provided, single submitter. Criteria: Genomenon Sequence Variant Interpretation Standards - Updated. Collection method: curation. Allele origin: germline. Affected: yes. Not counted in ClinVar's aggregate classification.
Comment: GAA p.Glu262Lys (c.784G>A) is a missense variant that changes the amino acid at codon 262 from Glutamic acid to Lysine. This variant has been observed in at least one proband with a GAA-related disorder in the compound heterozygous and/or homozygous state (PMID:39835171;39273088;39010129;38162137;38043017;37087815;35071497;34734785;33228748;31915562). It is absent or not present at a significant frequency in gnomAD. In silico models predict that this variant is possibly or probably damaging. In conclusion, we classify GAA p.Glu262Lys (c.784G>A) as a pathogenic variant.

Labcorp Genetics (formerly Invitae), Labcorp
Classification: Pathogenic for Glycogen storage disease, type II. Last evaluated: 2025-10-24. Review status: criteria provided, single submitter. Criteria: Invitae Variant Classification Sherloc (09022015). Collection method: clinical testing. Allele origin: germline. Not counted in ClinVar's aggregate classification.
Comment: This sequence change replaces glutamic acid, which is acidic and polar, with lysine, which is basic and polar, at codon 262 of the GAA protein (p.Glu262Lys). This variant is present in population databases (rs201896815, gnomAD 0.005%). This missense change has been observed in individual(s) with glycogen storage disease type II (Pompe disease) (PMID: 11738358, 18429042, 19588081, 21232767, 22658377, 27344650, 29422078, 31915562). In at least one individual the data is consistent with being in trans (on the opposite chromosome) from a pathogenic variant. ClinVar contains an entry for this variant (Variation ID: 188806). Invitae Evidence Modeling of protein sequence and biophysical properties (such as structural, functional, and spatial information, amino acid conservation, physicochemical variation, residue mobility, and thermodynamic stability) indicates that this missense variant is expected to disrupt GAA protein function with a positive predictive value of 95%. For these reasons, this variant has been classified as Pathogenic.

Natera, Inc.
Classification: Pathogenic for Glycogen storage disease type II. Last evaluated: 2025-03-24. Review status: criteria provided, single submitter. Criteria: Natera Variant Classification Schema (03/2026). Collection method: clinical testing. Allele origin: germline. Not counted in ClinVar's aggregate classification.
Comment: The c.784G>A variant in GAA is a missense variant predicted to cause substitution of glutamic acid to lysine at amino acid 262. This variant is rare in the general population with a frequency below the threshold expected for the associated phenotype(s). This variant has been observed in one or more individuals affected with the associated recessive disease, as either homozygous or compound heterozygous with a second variant (PMID: 26497565, 25052852, 19588081). Computational prediction algorithms indicate this variant is likely to affect gene or protein function. Given the available evidence, this variant is classified as Pathogenic.

Laboratory of Medical Genetics, National & Kapodistrian University of Athens
Classification: Pathogenic for Glycogen storage disease, type II. Last evaluated: 2024-02-01. Review status: criteria provided, single submitter. Criteria: ACMG Guidelines, 2015. Collection method: curation. Allele origin: germline. Affected: no. Not counted in ClinVar's aggregate classification.

Revvity Omics, Revvity
Classification: Pathogenic. Last evaluated: 2024-01-21. Review status: criteria provided, single submitter. Criteria: ACMG Guidelines, 2015. Collection method: clinical testing. Allele origin: germline. Not counted in ClinVar's aggregate classification.

Fulgent Genetics
Classification: Likely pathogenic for Glycogen storage disease, type II. Last evaluated: 2021-11-10. Review status: criteria provided, single submitter. Criteria: ACMG Guidelines, 2015. Collection method: clinical testing. Allele origin: unknown. Not counted in ClinVar's aggregate classification.

GeneDx
Classification: Pathogenic. Last evaluated: 2021-01-18. Review status: criteria provided, single submitter. Criteria: GeneDx Variant Classification Process June 2021. Collection method: clinical testing. Allele origin: germline. Affected: yes. Not counted in ClinVar's aggregate classification.
Comment: Not observed at a significant frequency in large population cohorts (Lek et al., 2016); In silico analysis, which includes protein predictors and evolutionary conservation, supports a deleterious effect; This variant is associated with the following publications: (PMID: 31589614, 31915562, 26497565, 27344650, 29422078, 29181627, 25455803, 20080426, 24269976, 22980766, 27183828, 25466677, 19588081, 18429042, 22704482, 22958975, 26830551, 22658377, 21232767, 24158270, 11738358)

Broad Center for Mendelian Genomics, Broad Institute of MIT and Harvard
Classification: Likely pathogenic for Glycogen storage disease, type II. Last evaluated: 2020-01-22. Review status: criteria provided, single submitter. Criteria: ACMG Guidelines, 2015. Collection method: curation. Allele origin: germline. Inheritance: Autosomal recessive inheritance. Not counted in ClinVar's aggregate classification.
Comment: The p.Glu262Lys variant in GAA has been reported in 14 individuals (including 6 Italian, 1 Brazilian, and 1 Chinese individuals) with Glycogen Storage Disease II (PMID: 22658377, 22980766, 26497565, 24269976, 24158270, 22958975, 22704482, 21232767, 19588081, 18429042), and has also been reported likely pathogenic by Counsyl and Invitae and pathogenic by EGL Genetic Diagnostics and Integrated Genetics in ClinVar (Variation ID: 188806). This variant has been identified in 0.005% (1/19938) of East Asian chromosomes and 0.002% (3/128794) of European (non-Finnish) chromosomes by the Genome Aggregation Database (gnomAD; dbSNP rs201896815). Although this variant has been seen in the general population, its frequency is low enough to be consistent with a recessive carrier frequency. Computational prediction tools and conservation analyses suggest that this variant may impact the protein, though this information is not predictive enough to determine pathogenicity. The presence of this variant in the homozygous state and in combination with 1 reported pathogenic variant, and in individuals with Glycogen Storage Disease II increases the likelihood that the p.Glu262Lys variant is pathogenic (PMID: 26497565, 24158270). Individuals with this variant in the heterozygous and homozygous state have a highly specific phenotype for disease based on GAA enzyme activity assays (PMID: 26497565, 24158270). In summary, although additional studies are required to fully establish its clinical significance, this variant is likely pathogenic. ACMG/AMP Criteria applied: PM3, PM2, PP3, PP4 (Richards 2015).

NM_000152.5(GAA):c.784G>A (p.Glu262Lys)

Gene: GAA (alpha glucosidase; plus strand). Cytogenetic location: 17q25.3.
Variant type: single nucleotide variant.
Coding change: c.784G>A on transcript NM_000152.5 (MANE Select); coding-DNA position 784, G replaced by A.
Protein change: p.Glu262Lys; replaces glutamic acid 262 with lysine.
Molecular consequence: missense variant.
Genome position (GRCh38, 1-based): chr17:80,107,648, G>A. VCF-style: chr17-80107648-G-A. GRCh37 (hg19) VCF-style: chr17-78081447-G-A.
Other names: NM_000152.5(GAA):c.784G>A; c.784G>A (LRG_673t1, NM_000152.4); c.784G>A, p.Glu262Lys (NM_001079803.3, NM_001079804.3); short protein forms E262K.
Identifiers: ClinVar variation 188806 (VCV000188806.36), dbSNP rs201896815, ClinGen allele CA273984.